The following is an entry in ClinVar:

ClinVar aggregate classification (germline): Uncertain significance. Review status: criteria provided, multiple submitters, no conflicts (2 of 4 stars). 2 submissions from 2 submitters: Uncertain significance (2). Last evaluated 2023-01-05.

Conditions:
Hereditary cancer-predisposing syndrome. Also called: Neoplastic Syndromes, Hereditary; Tumor predisposition; Hereditary neoplastic syndrome; Hereditary Cancer Syndrome. Identifiers: Orphanet 140162, MedGen C0027672, MeSH D009386, MONDO:0015356.

Submissions (2):

Ambry Genetics
Classification: Uncertain significance for Hereditary cancer-predisposing syndrome. Last evaluated: 2023-01-05. Review status: criteria provided, single submitter. Criteria: Ambry Variant Classification Scheme 2023. Collection method: clinical testing. Allele origin: germline.
Comment: The p.K24E variant (also known as c.70A>G), located in coding exon 1 of the ATM gene, results from an A to G substitution at nucleotide position 70. The lysine at codon 24 is replaced by glutamic acid, an amino acid with similar properties. This amino acid position is poorly conserved in available vertebrate species. In addition, this alteration is predicted to be tolerated by in silico analysis. Since supporting evidence is limited at this time, the clinical significance of this alteration remains unclear.

Color Diagnostics, LLC DBA Color Health
Classification: Uncertain significance for Hereditary cancer-predisposing syndrome. Last evaluated: 2021-08-18. Review status: criteria provided, single submitter. Criteria: ACMG Guidelines, 2015. Collection method: clinical testing. Allele origin: germline.
Comment: This missense variant replaces lysine with glutamic acid at codon 24 of the ATM protein. Splice site prediction tools suggest that this variant may impact RNA splicing, although this prediction has not been confirmed in published RNA studies. Computational prediction suggests that this variant may not impact protein structure and function (internally defined REVEL score threshold <= 0.5, PMID: 27666373). To our knowledge, functional studies have not been reported for this variant. This variant has not been reported in individuals affected with hereditary cancer in the literature. This variant has not been identified in the general population by the Genome Aggregation Database (gnomAD). The available evidence is insufficient to determine the role of this variant in disease conclusively. Therefore, this variant is classified as a Variant of Uncertain Significance.

NM_000051.4(ATM):c.70A>G (p.Lys24Glu)

Gene: ATM (ATM serine/threonine kinase; plus strand). Cytogenetic location: 11q22.3.
Variant type: single nucleotide variant.
Coding change: c.70A>G on transcript NM_000051.4 (MANE Select); coding-DNA position 70, A replaced by G.
Protein change: p.Lys24Glu; replaces lysine 24 with glutamic acid.
Molecular consequence: missense variant.
Genome position (GRCh38, 1-based): chr11:108,227,694, A>G. VCF-style: chr11-108227694-A-G. GRCh37 (hg19) VCF-style: chr11-108098421-A-G.
Other names: c.70A>G, p.Lys24Glu (NM_001351834.2, NM_001351835.2, NM_001351836.2); short protein forms K24E.
Identifiers: ClinVar variation 629248 (VCV000629248.8), dbSNP rs1469464426, ClinGen allele CA382519377.